The following is an entry in ClinVar:

NM_000264.5(PTCH1):c.820C>G (p.Gln274Glu)

Gene: PTCH1 (patched 1; minus strand). Cytogenetic location: 9q22.32.
Variant type: single nucleotide variant.
Coding change: c.820C>G on transcript NM_000264.5 (MANE Select); coding-DNA position 820, C replaced by G.
Protein change: p.Gln274Glu; replaces glutamine 274 with glutamic acid.
Molecular consequence: missense variant. On other transcripts: non-coding transcript variant (1).
Genome position (GRCh38, 1-based): chr9:95,480,515, G>C on the plus strand (C>G on the coding strand, the complement: PTCH1 is on the minus strand). VCF-style: chr9-95480515-G-C. GRCh37 (hg19) VCF-style: chr9-98242797-G-C.
Other names: c.622C>G, p.Gln208Glu (NM_001083602.3); c.817C>G, p.Gln273Glu (NM_001083603.3); c.367C>G, p.Gln123Glu (NM_001083604.3, NM_001083605.3, NM_001083606.3 and 1 more transcripts); c.820C>G, p.Gln274Glu (NM_001354918.2); short protein forms Q123E, Q208E, Q274E, Q273E.
Identifiers: ClinVar variation 1386567 (VCV001386567.8), dbSNP rs2118422378, ClinGen allele CA374114202.

ClinVar aggregate classification (germline): Uncertain significance. Review status: criteria provided, multiple submitters, no conflicts (2 of 4 stars). 2 submissions from 2 submitters: Uncertain significance (2). Last evaluated 2025-04-17.

Conditions:
Hereditary cancer-predisposing syndrome. Also called: Tumor predisposition; Hereditary neoplastic syndrome; Neoplastic Syndromes, Hereditary; Hereditary Cancer Syndrome. Identifiers: Orphanet 140162, MedGen C0027672, MeSH D009386, MONDO:0015356.
Gorlin syndrome. Also called: Basal cell nevus syndrome; Nevoid Basal Cell Carcinoma Syndrome. Identifiers: Orphanet 377, MedGen C0004779, MONDO:0007187.

Submissions (2):

Labcorp Genetics (formerly Invitae), Labcorp
Classification: Uncertain significance for Gorlin syndrome. Last evaluated: 2025-04-17. Review status: criteria provided, single submitter. Criteria: Invitae Variant Classification Sherloc (09022015). Collection method: clinical testing. Allele origin: germline.
Comment: This sequence change replaces glutamine, which is neutral and polar, with glutamic acid, which is acidic and polar, at codon 274 of the PTCH1 protein (p.Gln274Glu). This variant is not present in population databases (gnomAD no frequency). This variant has not been reported in the literature in individuals affected with PTCH1-related conditions. ClinVar contains an entry for this variant (Variation ID: 1386567). Invitae Evidence Modeling of protein sequence and biophysical properties (such as structural, functional, and spatial information, amino acid conservation, physicochemical variation, residue mobility, and thermodynamic stability) indicates that this missense variant is not expected to disrupt PTCH1 protein function with a negative predictive value of 95%. In summary, the available evidence is currently insufficient to determine the role of this variant in disease. Therefore, it has been classified as a Variant of Uncertain Significance.

Ambry Genetics
Classification: Uncertain significance for Hereditary cancer-predisposing syndrome. Last evaluated: 2022-05-13. Review status: criteria provided, single submitter. Criteria: Ambry Variant Classification Scheme 2023. Collection method: clinical testing. Allele origin: germline.
Comment: The p.Q274E variant (also known as c.820C>G), located in coding exon 6 of the PTCH1 gene, results from a C to G substitution at nucleotide position 820. The glutamine at codon 274 is replaced by glutamic acid, an amino acid with highly similar properties. This amino acid position is conserved. In addition, the in silico prediction for this alteration is inconclusive. Since supporting evidence is limited at this time, the clinical significance of this alteration remains unclear.